The following is an entry in ClinVar:

ClinVar aggregate classification (germline): Uncertain significance. Review status: criteria provided, multiple submitters, no conflicts (2 of 4 stars). 2 submissions from 2 submitters: Uncertain significance (2). Last evaluated 2024-09-29.

Conditions:
Fanconi anemia complementation group J. Also called: BRIP1-Related Fanconi Anemia. Identifiers: Orphanet 84, MedGen C1836860, MONDO:0012187, OMIM 609054.
Familial cancer of breast. Also called: BREAST CANCER, FAMILIAL; Hereditary breast cancer; hereditary breast carcinoma. Identifiers: Orphanet 227535, MedGen C0346153, MONDO:0016419, OMIM 114480. Disease mechanism: loss of function.
Hereditary cancer-predisposing syndrome. Also called: Neoplastic Syndromes, Hereditary; Tumor predisposition; Hereditary Cancer Syndrome; Hereditary neoplastic syndrome. Identifiers: Orphanet 140162, MedGen C0027672, MeSH D009386, MONDO:0015356.

Submissions (2):

Labcorp Genetics (formerly Invitae), Labcorp
Classification: Uncertain significance for Familial cancer of breast; Fanconi anemia complementation group J. Last evaluated: 2024-09-29. Review status: criteria provided, single submitter. Criteria: Invitae Variant Classification Sherloc (09022015). Collection method: clinical testing. Allele origin: germline.
Comment: This sequence change replaces methionine, which is neutral and non-polar, with lysine, which is basic and polar, at codon 4 of the BRIP1 protein (p.Met4Lys). This variant is not present in population databases (gnomAD no frequency). This variant has not been reported in the literature in individuals affected with BRIP1-related conditions. ClinVar contains an entry for this variant (Variation ID: 1747174). Invitae Evidence Modeling of protein sequence and biophysical properties (such as structural, functional, and spatial information, amino acid conservation, physicochemical variation, residue mobility, and thermodynamic stability) indicates that this missense variant is not expected to disrupt BRIP1 protein function with a negative predictive value of 80%. In summary, the available evidence is currently insufficient to determine the role of this variant in disease. Therefore, it has been classified as a Variant of Uncertain Significance.

Ambry Genetics
Classification: Uncertain significance for Hereditary cancer-predisposing syndrome. Last evaluated: 2021-04-26. Review status: criteria provided, single submitter. Criteria: Ambry Variant Classification Scheme 2023. Collection method: clinical testing. Allele origin: germline.
Comment: The p.M4K variant (also known as c.11T>A), located in coding exon 1 of the BRIP1 gene, results from a T to A substitution at nucleotide position 11. The methionine at codon 4 is replaced by lysine, an amino acid with similar properties. This amino acid position is poorly conserved in available vertebrate species. In addition, this alteration is predicted to be tolerated by in silico analysis. Since supporting evidence is limited at this time, the clinical significance of this alteration remains unclear.

NM_032043.3(BRIP1):c.11T>A (p.Met4Lys)

Gene: BRIP1 (BRCA1 interacting DNA helicase 1; minus strand). Cytogenetic location: 17q23.2.
Variant type: single nucleotide variant.
Coding change: c.11T>A on transcript NM_032043.3 (MANE Select); coding-DNA position 11, T replaced by A.
Protein change: p.Met4Lys; replaces methionine 4 with lysine.
Molecular consequence: missense variant.
Genome position (GRCh38, 1-based): chr17:61,861,529, A>T on the plus strand (T>A on the coding strand, the complement: BRIP1 is on the minus strand). VCF-style: chr17-61861529-A-T. GRCh37 (hg19) VCF-style: chr17-59938890-A-T.
Other names: short protein forms M4K.
Identifiers: ClinVar variation 1747174 (VCV001747174.4), dbSNP rs2078973570, ClinGen allele CA400486083.
Genomic context (GRCh38, chr17:61,861,529, plus strand): 5'-GACGGGTAAGCTTTATAAGGAAAGTAAATCTTCACCCCACCAATTGTATATTCAGACCAC[A>T]TTGAAGACATAGTGCTTTCCTGTTTATTTCAGATTCCTAACTACAACAGAAATGAAAATG-3'
Protein context (NP_114432.2, residues 1-14): MSS[Met4Lys]WSEYTIGGVK